The following is an entry in ClinVar:

NM_000053.4(ATP7B):c.2589del (p.Val864fs)

Gene: ATP7B (ATPase copper transporting beta; minus strand). Cytogenetic location: 13q14.3.
Variant type: Deletion.
Coding change: c.2589del on transcript NM_000053.4 (MANE Select); coding-DNA position 2589, one base deleted (A; older notation c.2589delA).
Protein change: p.Val864fs; shifts the reading frame from valine 864.
Molecular consequence: frameshift variant.
Genome position (GRCh38, 1-based): chr13:51,950,148, T deleted on the plus strand (A on the coding strand, the reverse complement: ATP7B is on the minus strand). VCF-style (leftmost placement, unchanged base first): chr13-51950147-CT-C. GRCh37 (hg19) VCF-style: chr13-52524283-CT-C.
Other names: c.2103del, p.Val702fs (NM_001005918.3); c.2256del, p.Val753fs (NM_001243182.2); c.2355del, p.Val786fs (NM_001330578.2); c.2337del, p.Val780fs (NM_001330579.2); short protein forms V702fs, V753fs, V780fs, V786fs, V864fs.
Identifiers: ClinVar variation 1069463 (VCV001069463.9), dbSNP rs2139212032, ClinGen allele CA2499222476.
Genomic context (GRCh38, chr13:51,950,147, plus strand): 5'-GCACAGAGCCATGTGCATTTATAGACCCCGCAATTACAGTGCTTCCGGGTTTCTTAGTGA[CT>C]GGCATGGCTTCTCCTAGACGTAGGAAAGAGACAACTGTCACTTGCTCAGCCCCATCCAGC-3'

ClinVar aggregate classification (germline): Pathogenic. Review status: criteria provided, multiple submitters, no conflicts (2 of 4 stars). 2 submissions from 2 submitters: Pathogenic (2). Last evaluated 2022-10-24.

Conditions:
Wilson disease (WND). Also called: Wilson's disease. Identifiers: Orphanet 905, MedGen C0019202, MONDO:0010200, OMIM 277900. Disease mechanism: loss of function.

Allele frequency attached by ClinVar (database versions not stated): gnomAD exomes below 0.00001.

Submissions (2):

Labcorp Genetics (formerly Invitae), Labcorp
Classification: Pathogenic for Wilson disease. Last evaluated: 2022-10-24. Review status: criteria provided, single submitter. Criteria: Invitae Variant Classification Sherloc (09022015). Collection method: clinical testing. Allele origin: germline.
Comment: For these reasons, this variant has been classified as Pathogenic. ClinVar contains an entry for this variant (Variation ID: 1069463). This variant has not been reported in the literature in individuals affected with ATP7B-related conditions. This variant is not present in population databases (gnomAD no frequency). This sequence change creates a premature translational stop signal (p.Val864Serfs*9) in the ATP7B gene. It is expected to result in an absent or disrupted protein product. Loss-of-function variants in ATP7B are known to be pathogenic (PMID: 10441329, 16283883).

Genome-Nilou Lab
Classification: Pathogenic for Wilson disease. Last evaluated: 2021-08-10. Review status: criteria provided, single submitter. Criteria: ACMG Guidelines, 2015. Collection method: clinical testing. Allele origin: germline. Affected: no.

Literature cited by the submitters: PubMed 10441329 (cited by Labcorp Genetics (formerly Invitae), Labcorp); PubMed 16283883 (cited by Labcorp Genetics (formerly Invitae), Labcorp).